The following is an entry in ClinVar:

NM_014915.3(ANKRD26):c.1453G>A (p.Ala485Thr)

Gene: ANKRD26 (ankyrin repeat domain 26; minus strand). Cytogenetic location: 10p12.1.
Variant type: single nucleotide variant.
Coding change: c.1453G>A on transcript NM_014915.3 (MANE Select); coding-DNA position 1453, G replaced by A.
Protein change: p.Ala485Thr; replaces alanine 485 with threonine.
Molecular consequence: missense variant.
Genome position (GRCh38, 1-based): chr10:27,061,153, C>T on the plus strand (G>A on the coding strand, the complement: ANKRD26 is on the minus strand). VCF-style: chr10-27061153-C-T. GRCh37 (hg19) VCF-style: chr10-27350082-C-T.
Other names: c.1453G>A, p.Ala485Thr (NM_001256053.2); short protein forms A485T.
Identifiers: ClinVar variation 4845136 (VCV004845136.1).

ClinVar aggregate classification (germline): Uncertain significance (1 of 4 stars; one submission).

Conditions:
Inborn genetic diseases. Identifiers: MedGen C0950123, MeSH D030342.

Submission:

Ambry Genetics
Classification: Uncertain significance for Inborn genetic diseases. Last evaluated: 2026-02-13. Review status: criteria provided, single submitter. Criteria: Ambry Variant Classification Scheme 2023. Collection method: clinical testing. Allele origin: germline.
Comment: The p.A485T variant (also known as c.1453G>A), located in coding exon 13 of the ANKRD26 gene, results from a G to A substitution at nucleotide position 1453. The alanine at codon 485 is replaced by threonine, an amino acid with similar properties. This amino acid position is conserved. In addition, this alteration is predicted to be tolerated by in silico analysis. Based on the available evidence, the clinical significance of this variant remains unclear.